The following is an entry in ClinVar:

NM_018979.4(WNK1):c.6665T>C (p.Val2222Ala)

Gene: WNK1 (WNK lysine deficient protein kinase 1; plus strand). Cytogenetic location: 12p13.33.
Variant type: single nucleotide variant.
Coding change: c.6665T>C on transcript NM_018979.4 (MANE Select); coding-DNA position 6665, T replaced by C.
Protein change: p.Val2222Ala; replaces valine 2222 with alanine.
Molecular consequence: missense variant.
Genome position (GRCh38, 1-based): chr12:907,868, T>C. VCF-style: chr12-907868-T-C. GRCh37 (hg19) VCF-style: chr12-1017034-T-C.
Other names: c.7445T>C, p.Val2482Ala (NM_001184985.2); c.5921T>C, p.Val1974Ala (NM_014823.3); c.7421T>C, p.Val2474Ala (NM_213655.5); short protein forms V1974A, V2482A, V2474A, V2222A.
Identifiers: ClinVar variation 839987 (VCV000839987.9), dbSNP rs779375135, ClinGen allele CA6383468.

ClinVar aggregate classification (germline): Uncertain significance (1 of 4 stars; one submission).

Conditions:
Pseudohypoaldosteronism type 2C (PHA2C). Also called: Pseudohypoaldosteronism Type IIC. Identifiers: Orphanet 757, Orphanet 88940, MedGen C1840391, MONDO:0013778, OMIM 614492.
Neuropathy, hereditary sensory and autonomic, type 2A (HSAN2A). Also called: MORVAN DISEASE; NEUROPATHY, CONGENITAL SENSORY; NEUROPATHY, HEREDITARY SENSORY RADICULAR, AUTOSOMAL RECESSIVE; NEUROPATHY, HEREDITARY SENSORY, TYPE IIA; NEUROPATHY, PROGRESSIVE SENSORY, OF CHILDREN; WNK1-Related HSAN2 (HSAN2A). Identifiers: Orphanet 970, MedGen C2752089, MONDO:0024309, OMIM 201300.

Allele frequency attached by ClinVar (database versions not stated): gnomAD 0.00002; TOPMed 0.00002; ExAC 0.00003; gnomAD exomes 0.00003 and 0.00004.
gnomAD v4.1: 62 of 1,613,804 alleles (0.0038%); highest among the groups gnomAD compares: Non-Finnish European, 0.0034%; no homozygotes.

Submission:

Labcorp Genetics (formerly Invitae), Labcorp
Classification: Uncertain significance for Neuropathy, hereditary sensory and autonomic, type 2A; Pseudohypoaldosteronism type 2C. Last evaluated: 2023-11-27. Review status: criteria provided, single submitter. Criteria: Invitae Variant Classification Sherloc (09022015). Collection method: clinical testing. Allele origin: germline.
Comment: This sequence change replaces valine, which is neutral and non-polar, with alanine, which is neutral and non-polar, at codon 2474 of the WNK1 protein (p.Val2474Ala). This variant is present in population databases (rs779375135, gnomAD 0.06%). This variant has not been reported in the literature in individuals affected with WNK1-related conditions. ClinVar contains an entry for this variant (Variation ID: 839987). Advanced modeling of protein sequence and biophysical properties (such as structural, functional, and spatial information, amino acid conservation, physicochemical variation, residue mobility, and thermodynamic stability) performed at Invitae indicates that this missense variant is not expected to disrupt WNK1 protein function with a negative predictive value of 95%. In summary, the available evidence is currently insufficient to determine the role of this variant in disease. Therefore, it has been classified as a Variant of Uncertain Significance.